The following is an entry in ClinVar:

NM_000278.5(PAX2):c.757G>A (p.Val253Ile)

Gene: PAX2 (paired box 2; plus strand). Cytogenetic location: 10q24.31.
Variant type: single nucleotide variant.
Coding change: c.757G>A on transcript NM_000278.5 (MANE Select); coding-DNA position 757, G replaced by A.
Protein change: p.Val253Ile; replaces valine 253 with isoleucine.
Molecular consequence: missense variant.
Genome position (GRCh38, 1-based): chr10:100,806,570, G>A. VCF-style: chr10-100806570-G-A. GRCh37 (hg19) VCF-style: chr10-102566327-G-A.
Other names: c.826G>A (NM_003990.4, NM_003987.3); c.850G>A, p.Val284Ile (NM_001304569.2); c.826G>A, p.Val276Ile (NM_003987.5, NM_003990.5); c.757G>A, p.Val253Ile (NM_003988.5, NM_003989.5); short protein forms V253I, V276I, V284I.
Identifiers: ClinVar variation 1184398 (VCV001184398.11), dbSNP rs770703982, ClinGen allele CA5650844.

ClinVar aggregate classification (germline): Conflicting classifications of pathogenicity. Review status: criteria provided, conflicting classifications (1 of 4 stars). 5 submissions from 5 submitters: Uncertain significance (3); Likely benign (2). Last evaluated 2026-05-15.

Conditions:
Inborn genetic diseases. Identifiers: MedGen C0950123, MeSH D030342.
Renal coloboma syndrome (PAPRS). Also called: CONGENITAL ANOMALIES OF THE KIDNEY AND URINARY TRACT WITH OR WITHOUT OCULAR ABNORMALITIES; CAKUT WITH OR WITHOUT OCULAR ABNORMALITIES; PAPILLORENAL SYNDROME; COLOBOMA OF OPTIC NERVE WITH RENAL DISEASE; OPTIC COLOBOMA, VESICOURETERAL REFLUX, AND RENAL ANOMALIES; OPTIC NERVE COLOBOMA WITH RENAL DISEASE. Identifiers: Orphanet 1475, MedGen C1852759, MONDO:0007352, OMIM 120330.
Focal segmental glomerulosclerosis 7 (FSGS7). Identifiers: Orphanet 656, MedGen C4014925, MONDO:0014451, OMIM 616002.
PAX2-Related Disorder. Also called: PAX2-related disorders. Identifiers: MedGen CN381309.

Allele frequency attached by ClinVar (database versions not stated): ExAC 0.00001; gnomAD 0.00001; gnomAD exomes 0.00001 and 0.00002; TOPMed 0.00007.
gnomAD v4.1: 21 of 1,614,010 alleles (0.0013%); highest among the groups gnomAD compares: African/African-American, 0.0067%; no homozygotes.

Submissions (5):

PreventionGenetics, part of Exact Sciences
Classification: Uncertain significance for PAX2-related condition. Last evaluated: 2026-05-15. Review status: criteria provided, single submitter. Criteria: ACMG Guidelines, 2015. Collection method: clinical testing. Allele origin: germline.
Comment: The PAX2 c.826G>A variant is predicted to result in the amino acid substitution p.Val276Ile. To our knowledge, this variant has not been reported in the literature. This variant is reported in 0.012% of alleles in individuals of African descent in gnomAD. At this time, the clinical significance of this variant is uncertain due to the absence of conclusive functional and genetic evidence.

Labcorp Genetics (formerly Invitae), Labcorp
Classification: Uncertain significance for Renal coloboma syndrome; Focal segmental glomerulosclerosis 7. Last evaluated: 2025-06-12. Review status: criteria provided, single submitter. Criteria: Invitae Variant Classification Sherloc (09022015). Collection method: clinical testing. Allele origin: germline.
Comment: This sequence change replaces valine, which is neutral and non-polar, with isoleucine, which is neutral and non-polar, at codon 253 of the PAX2 protein (p.Val253Ile). This variant is present in population databases (rs770703982, gnomAD 0.01%). This variant has not been reported in the literature in individuals affected with PAX2-related conditions. ClinVar contains an entry for this variant (Variation ID: 1184398). An algorithm developed to predict the effect of missense changes on protein structure and function (PolyPhen-2) suggests that this variant is likely to be disruptive. In summary, the available evidence is currently insufficient to determine the role of this variant in disease. Therefore, it has been classified as a Variant of Uncertain Significance.

Ambry Genetics
Classification: Likely benign for Inborn genetic diseases. Last evaluated: 2025-04-21. Review status: criteria provided, single submitter. Criteria: Ambry Variant Classification Scheme 2023. Collection method: clinical testing. Allele origin: germline.

Fulgent Genetics
Classification: Likely benign for Renal coloboma syndrome; Focal segmental glomerulosclerosis 7. Last evaluated: 2024-03-13. Review status: criteria provided, single submitter. Criteria: ACMG Guidelines, 2015. Collection method: clinical testing. Allele origin: germline.

New York Genome Center
Classification: Uncertain significance for Renal coloboma syndrome. Last evaluated: 2020-07-03. Review status: criteria provided, single submitter. Criteria: NYGC Assertion Criteria 2020. Collection method: clinical testing. Allele origin: germline. Observed: 1 heterozygote. Study: CSER-NYCKidSeq.